The following is an entry in ClinVar:

NM_001048166.1(STIL):c.3321G>C (p.Gly1107=)

Gene: STIL (STIL centriolar assembly protein; minus strand). Cytogenetic location: 1p33.
Variant type: single nucleotide variant.
Coding change: c.3321G>C on transcript NM_001048166.1 (MANE Select); coding-DNA position 3321, G replaced by C.
Protein change: p.Gly1107=; no amino-acid change (glycine 1107 retained).
Molecular consequence: synonymous variant.
Genome position (GRCh38, 1-based): chr1:47,251,682, C>G on the plus strand (G>C on the coding strand, the complement: STIL is on the minus strand). VCF-style: chr1-47251682-C-G. GRCh37 (hg19) VCF-style: chr1-47717354-C-G.
Other names: c.3318G>C, p.Gly1106= (NM_001282936.1, NM_003035.2); c.3267G>C, p.Gly1089= (NM_001282937.1); c.3180G>C, p.Gly1060= (NM_001282938.1); c.3126G>C, p.Gly1042= (NM_001282939.1).
Identifiers: ClinVar variation 514180 (VCV000514180.1), dbSNP rs1553167547, ClinGen allele CA417891140.

ClinVar aggregate classification (germline): Likely benign (1 of 4 stars; one submission).

Submission:

GeneDx
Classification: Likely benign. Last evaluated: 2017-12-22. Review status: criteria provided, single submitter. Criteria: GeneDx Variant Classification (06012015). Collection method: clinical testing. Allele origin: germline. Affected: yes.
Comment: This variant is considered likely benign or benign based on one or more of the following criteria: it is a conservative change, it occurs at a poorly conserved position in the protein, it is predicted to be benign by multiple in silico algorithms, and/or has population frequency not consistent with disease.